The following is an entry in ClinVar:

NM_001145418.2(TTC28):c.4319G>C (p.Ser1440Thr)

Genes: TTC28 (tetratricopeptide repeat domain 28; minus strand), TTC28-AS1 (TTC28 antisense RNA 1; plus strand). Cytogenetic location: 22q12.1.
Variant type: single nucleotide variant.
Coding change: c.4319G>C on transcript NM_001145418.2 (MANE Select); coding-DNA position 4319, G replaced by C.
Protein change: p.Ser1440Thr; replaces serine 1440 with threonine.
Molecular consequence: missense variant. On other transcripts: non-coding transcript variant (1).
Genome position (GRCh38, 1-based): chr22:28,001,453, C>G on the plus strand (G>C on the coding strand, the complement: TTC28 is on the minus strand). VCF-style: chr22-28001453-C-G. GRCh37 (hg19) VCF-style: chr22-28397441-C-G.
Other names: c.4319G>C, p.Ser1440Thr (NM_001393403.1); c.3965G>C, p.Ser1322Thr (NM_001393404.1, NM_001393405.1); short protein forms S1322T, S1440T.
Identifiers: ClinVar variation 3031654 (VCV003031654.2), dbSNP rs1937687404, ClinGen allele CA411079992.

ClinVar aggregate classification (germline): Uncertain significance (0 of 4 stars; one submission).

Conditions:
TTC28-related disorder. Also called: TTC28-related condition.

Submission:

PreventionGenetics, part of Exact Sciences
Classification: Uncertain significance for TTC28-related condition. Last evaluated: 2023-11-09. Review status: no assertion criteria provided. Collection method: clinical testing. Allele origin: germline.
Comment: The TTC28 c.4319G>C variant is predicted to result in the amino acid substitution p.Ser1440Thr. To our knowledge, this variant has not been reported in the literature or in a large population database, indicating this variant is rare. At this time, the clinical significance of this variant is uncertain due to the absence of conclusive functional and genetic evidence.